The following is an entry in ClinVar:

NM_172250.3(MMAA):c.551dup (p.Cys184fs)

Gene: MMAA (metabolism of cobalamin associated A; plus strand). Cytogenetic location: 4q31.21.
Variant type: Duplication.
Coding change: c.551dup on transcript NM_172250.3 (MANE Select); coding-DNA position 551, one base duplicated (G; older notation c.551dupG).
Protein change: p.Cys184fs; shifts the reading frame from cysteine 184.
Molecular consequence: frameshift variant.
Genome position (GRCh38, 1-based): chr4:145,642,474, G duplicated. VCF-style (leftmost placement, unchanged base first): chr4-145642473-T-TG. GRCh37 (hg19) VCF-style: chr4-146563625-T-TG.
Other names: c.551dupG (NM_172250.2); short protein forms C184fs.
Identifiers: ClinVar variation 554640 (VCV000554640.8), dbSNP rs1553958159, ClinGen allele CA658823110.

ClinVar aggregate classification (germline): Pathogenic. Review status: criteria provided, multiple submitters, no conflicts (2 of 4 stars). 4 submissions from 4 submitters: Pathogenic (3). 1 of the submissions does not count toward it. Last evaluated 2024-03-27.

Conditions:
Methylmalonic aciduria, cblA type (MACA). Also called: Methylmalonic aciduria, vitamin B12-responsive; Methylmalonic aciduria, vitamin b12-responsive, due to defect in synthesis of adenosylcobalamin, cbla complementation type; MMA cbl A type; Methylmalonic acidemia cblA type; Vitamin B12-responsive methylmalonic acidemia type cblA. Identifiers: Orphanet 28, Orphanet 79310, MedGen C1855109, MONDO:0009613, OMIM 251100.

Allele frequency attached by ClinVar (database versions not stated): gnomAD exomes below 0.00001.

Submissions (4):

Labcorp Genetics (formerly Invitae), Labcorp
Classification: Pathogenic for Methylmalonic aciduria, cblA type. Last evaluated: 2024-03-27. Review status: criteria provided, single submitter. Criteria: Invitae Variant Classification Sherloc (09022015). Collection method: clinical testing. Allele origin: germline.
Comment: This sequence change creates a premature translational stop signal (p.Cys184Trpfs*3) in the MMAA gene. It is expected to result in an absent or disrupted protein product. Loss-of-function variants in MMAA are known to be pathogenic (PMID: 15523652, 15781192). This variant is not present in population databases (gnomAD no frequency). This premature translational stop signal has been observed in individual(s) with methylmalonic aciduria due to cobalamin A deficiency (PMID: 23026888, 32754920). ClinVar contains an entry for this variant (Variation ID: 554640). For these reasons, this variant has been classified as Pathogenic.

Baylor Genetics
Classification: Pathogenic for Methylmalonic aciduria, cblA type. Last evaluated: 2023-03-02. Review status: criteria provided, single submitter. Criteria: ACMG Guidelines, 2015. Collection method: clinical testing. Allele origin: unknown.

Department of Human Genetics, Hannover Medical School
Classification: Pathogenic for Methylmalonic aciduria, cblA type. Last evaluated: 2023-02-27. Review status: criteria provided, single submitter. Criteria: ACMG Guidelines, 2015. Collection method: clinical testing. Allele origin: germline. Inheritance: Autosomal recessive inheritance. Affected: yes.

Counsyl
Classification: Pathogenic for Methylmalonic aciduria, cblA type. Last evaluated: 2017-10-27. Review status: no assertion criteria provided. Collection method: clinical testing. Allele origin: unknown. Not counted in ClinVar's aggregate classification.

Literature cited by the submitters: PubMed 15523652 (cited by Labcorp Genetics (formerly Invitae), Labcorp); PubMed 15781192 (cited by Labcorp Genetics (formerly Invitae), Labcorp); PubMed 23026888 (cited by Labcorp Genetics (formerly Invitae), Labcorp and Counsyl); PubMed 32754920 (cited by Labcorp Genetics (formerly Invitae), Labcorp); PubMed 28497574 (cited by Counsyl).